The following is an entry in ClinVar:

NM_003873.7(NRP1):c.1205G>A (p.Arg402Gln)

Gene: NRP1 (neuropilin 1; minus strand). Cytogenetic location: 10p11.22.
Variant type: single nucleotide variant.
Coding change: c.1205G>A on transcript NM_003873.7 (MANE Select); coding-DNA position 1205, G replaced by A.
Protein change: p.Arg402Gln; replaces arginine 402 with glutamine.
Molecular consequence: missense variant. On other transcripts: non-coding transcript variant (1).
Genome position (GRCh38, 1-based): chr10:33,221,796, C>T on the plus strand (G>A on the coding strand, the complement: NRP1 is on the minus strand). VCF-style: chr10-33221796-C-T. GRCh37 (hg19) VCF-style: chr10-33510724-C-T.
Other names: c.1205G>A, p.Arg402Gln (NM_001024628.3, NM_001024629.3, NM_001244972.2 and 2 more transcripts); short protein forms R402Q.
Identifiers: ClinVar variation 3301073 (VCV003301073.2).

ClinVar aggregate classification (germline): Uncertain significance. Review status: criteria provided, multiple submitters, no conflicts (2 of 4 stars). 2 submissions from 2 submitters: Uncertain significance (2). Last evaluated 2026-02-25.

Conditions:
NRP1-related disorder. Also called: NRP1-related condition.

gnomAD v4.1: 10 of 1,614,040 alleles (0.00062%); highest among the groups gnomAD compares: South Asian, 0.0022%; no homozygotes.

Submissions (2):

PreventionGenetics, part of Exact Sciences
Classification: Uncertain significance for NRP1-related condition. Last evaluated: 2026-02-25. Review status: criteria provided, single submitter. Criteria: ACMG Guidelines, 2015. Collection method: clinical testing. Allele origin: germline.
Comment: The NRP1 c.1205G>A variant is predicted to result in the amino acid substitution p.Arg402Gln. To our knowledge, this variant has not been reported in the literature. This variant is reported in 0.0065% of alleles in individuals of South Asian descent in gnomAD. At this time, the clinical significance of this variant is uncertain due to the absence of conclusive functional and genetic evidence.

Ambry Genetics
Classification: Uncertain significance. Last evaluated: 2024-04-16. Review status: criteria provided, single submitter. Criteria: Ambry Variant Classification Scheme 2023. Collection method: clinical testing. Allele origin: germline.